The following is an entry in ClinVar:

ClinVar aggregate classification (germline): Pathogenic (1 of 4 stars; one submission).

Conditions:
Duchenne muscular dystrophy (DMD). Also called: MUSCULAR DYSTROPHY, PSEUDOHYPERTROPHIC PROGRESSIVE, DUCHENNE TYPE; Duchenne Muscular Dystrophy (DMD). Identifiers: Orphanet 98896, MedGen C0013264, MONDO:0010679, OMIM 310200.

Submission:

Labcorp Genetics (formerly Invitae), Labcorp
Classification: Pathogenic for Duchenne muscular dystrophy. Last evaluated: 2019-04-02. Review status: criteria provided, single submitter. Criteria: Invitae Variant Classification Sherloc (09022015). Collection method: clinical testing. Allele origin: germline.
Comment: This variant results in a copy number gain of the genomic region encompassing exons 10-17 of the DMD gene. While the exact position of this variant cannot be determined from this data, sub-genic copy number gains are generally in tandem (PMID: 25640679) and may result in an absent or disrupted protein product. A similar copy number gain of exons 10-17 has been reported in an several individuals affected with Duchenne muscular dystrophy or Becker muscular dystrophy (PMID:¬†16917894,¬†18663755). Loss-of-function variants in DMD are known to be pathogenic (PMID: 16770791, 25007885). For these reasons, this variant has been classified as Pathogenic.

Literature cited by the submitters: PubMed 25640679; PubMed 16917894; PubMed 18663755; PubMed 16770791; PubMed 25007885.

NC_000023.10:g.(?_32563266)_32669194dup

Gene: DMD (dystrophin; minus strand).
Variant type: Duplication.
Identifiers: ClinVar variation 1076461 (VCV001076461.2).